The following is an entry in ClinVar:

ClinVar aggregate classification (germline): Uncertain significance (1 of 4 stars; one submission).

Conditions:
Inborn genetic diseases. Identifiers: MedGen C0950123, MeSH D030342.

Submission:

Ambry Genetics
Classification: Uncertain significance for Inborn genetic diseases. Last evaluated: 2023-02-25. Review status: criteria provided, single submitter. Criteria: Ambry Variant Classification Scheme 2023. Collection method: clinical testing. Allele origin: germline.
Comment: The p.G19C variant (also known as c.55G>T), located in coding exon 1 of the ATR gene, results from a G to T substitution at nucleotide position 55. The glycine at codon 19 is replaced by cysteine, an amino acid with highly dissimilar properties. This amino acid position is conserved. In addition, this alteration is predicted to be tolerated by in silico analysis. Since supporting evidence is limited at this time, the clinical significance of this alteration remains unclear.

NM_001184.4(ATR):c.55G>T (p.Gly19Cys)

Genes: ATR (ATR checkpoint kinase; minus strand), LOC129937703 (ATAC-STARR-seq lymphoblastoid active region 20643; plus strand). Cytogenetic location: 3q23.
Variant type: single nucleotide variant.
Coding change: c.55G>T on transcript NM_001184.4 (MANE Select); coding-DNA position 55, G replaced by T.
Protein change: p.Gly19Cys; replaces glycine 19 with cysteine.
Molecular consequence: missense variant.
Genome position (GRCh38, 1-based): chr3:142,578,650, C>A on the plus strand (G>T on the coding strand, the complement: ATR is on the minus strand). VCF-style: chr3-142578650-C-A. GRCh37 (hg19) VCF-style: chr3-142297492-C-A.
Other names: c.55G>T, p.Gly19Cys (NM_001354579.2); short protein forms G19C.
Identifiers: ClinVar variation 2496642 (VCV002496642.2), dbSNP rs2108512565, ClinGen allele CA354795647.